The following is an entry in ClinVar:

ClinVar aggregate classification (germline): Uncertain significance (1 of 4 stars; one submission).

Conditions:
Hereditary cancer-predisposing syndrome. Also called: Neoplastic Syndromes, Hereditary; Tumor predisposition; Hereditary neoplastic syndrome; Hereditary Cancer Syndrome. Identifiers: Orphanet 140162, MedGen C0027672, MeSH D009386, MONDO:0015356.

Submission:

Ambry Genetics
Classification: Uncertain significance for Hereditary cancer-predisposing syndrome. Last evaluated: 2026-07-06. Review status: criteria provided, single submitter. Criteria: Ambry Variant Classification Scheme 2023. Collection method: clinical testing. Allele origin: germline.
Comment: The p.P1301H variant (also known as c.3902C>A), located in coding exon 23 of the PTCH1 gene, results from a C to A substitution at nucleotide position 3902. The proline at codon 1301 is replaced by histidine, an amino acid with similar properties. This amino acid position is conserved. In addition, this alteration is predicted to be deleterious by in silico analysis. Based on the available evidence, the clinical significance of this variant remains unclear.

NM_000264.5(PTCH1):c.4100C>A (p.Pro1367His)

Gene: PTCH1 (patched 1; minus strand). Cytogenetic location: 9q22.32.
Variant type: single nucleotide variant.
Coding change: c.4100C>A on transcript NM_000264.5 (MANE Select); coding-DNA position 4100, C replaced by A.
Protein change: p.Pro1367His; replaces proline 1367 with histidine.
Molecular consequence: missense variant. On other transcripts: non-coding transcript variant (1).
Genome position (GRCh38, 1-based): chr9:95,447,156, G>T on the plus strand (C>A on the coding strand, the complement: PTCH1 is on the minus strand). VCF-style: chr9-95447156-G-T. GRCh37 (hg19) VCF-style: chr9-98209438-G-T.
Other names: c.3902C>A, p.Pro1301His (NM_001083602.3); c.4097C>A, p.Pro1366His (NM_001083603.3); c.3647C>A, p.Pro1216His (NM_001083604.3, NM_001083605.3, NM_001083606.3 and 1 more transcripts); c.3944C>A, p.Pro1315His (NM_001354918.2); short protein forms P1216H, P1315H, P1366H, P1301H, P1367H.
Identifiers: ClinVar variation 5027486 (VCV005027486.1).